The following is an entry in ClinVar:

NM_206933.4(USH2A):c.5698T>G (p.Cys1900Gly)

Genes: USH2A (usherin; minus strand), USH2A-AS2 (USH2A antisense RNA 2; plus strand). Cytogenetic location: 1q41.
Variant type: single nucleotide variant.
Coding change: c.5698T>G on transcript NM_206933.4 (MANE Select); coding-DNA position 5698, T replaced by G.
Protein change: p.Cys1900Gly; replaces cysteine 1900 with glycine.
Molecular consequence: missense variant.
Genome position (GRCh38, 1-based): chr1:216,073,175, A>C on the plus strand (T>G on the coding strand, the complement: USH2A is on the minus strand). VCF-style: chr1-216073175-A-C. GRCh37 (hg19) VCF-style: chr1-216246517-A-C.
Other names: c.5698T>G (NM_206933.3); short protein forms C1900G.
Identifiers: ClinVar variation 48538 (VCV000048538.25), dbSNP rs201026468, ClinGen allele CA143525.

ClinVar aggregate classification (germline): Conflicting classifications of pathogenicity. Review status: criteria provided, conflicting classifications (1 of 4 stars). 7 submissions from 7 submitters: Uncertain significance (5); Likely benign (1). 1 of the submissions does not count toward it. Last evaluated 2026-01-06.

Conditions:
Usher syndrome type 2A. Also called: RETINAL DISEASE IN USHER SYNDROME TYPE IIA, MODIFIER OF; USHER SYNDROME, TYPE IIA. Identifiers: Orphanet 231178, Orphanet 886, MedGen C1848634, MONDO:0010169, OMIM 276901.

Allele frequency attached by ClinVar (database versions not stated): gnomAD 0.00004 and 0.00013; TOPMed 0.00015; gnomAD exomes 0.00021 and 0.00048; ExAC 0.00051; 1000 Genomes Project 0.00140; 1000 Genomes Project 30x 0.00141.
gnomAD v4.1: 328 of 1,613,870 alleles (0.02%); highest among the groups gnomAD compares: South Asian, 0.33%; 4 homozygotes.

Submissions (7):

Labcorp Genetics (formerly Invitae), Labcorp
Classification: Likely benign. Last evaluated: 2026-01-06. Review status: criteria provided, single submitter. Criteria: Invitae Variant Classification Sherloc (09022015). Collection method: clinical testing. Allele origin: germline.

Blueprint Genetics
Classification: Uncertain significance. Last evaluated: 2024-11-18. Review status: criteria provided, single submitter. Criteria: ACMG Guidelines, 2015. Collection method: clinical testing. Allele origin: germline.

Women's Health and Genetics/Laboratory Corporation of America, LabCorp
Classification: Uncertain significance. Last evaluated: 2022-02-18. Review status: criteria provided, single submitter. Criteria: LabCorp Variant Classification Summary - May 2015. Collection method: clinical testing. Allele origin: germline.
Comment: Variant summary: USH2A c.5698T>G (p.Cys1900Gly) results in a non-conservative amino acid change located in the Fibronectin type III domain (IPR003961) of the encoded protein sequence. Four of five in-silico tools predict a damaging effect of the variant on protein function. The variant allele was found at a frequency of 0.00048 in 250564 control chromosomes in the gnomAD database, including 1 homozygotes. This frequency is not significantly higher than expected for a pathogenic variant in USH2A causing Usher Syndrome (0.00048 vs 0.011), allowing no conclusion about variant significance. c.5698T>G has been reported in the literature as non-informative genotypes in individuals affected with and/or undergoing diagnostic exome sequencing for Usher Syndrome/visual impairment (example, Bonnet_2016, Haer-Wigman_2017). These report(s) do not provide unequivocal conclusions about association of the variant with Usher Syndrome. To our knowledge, no experimental evidence demonstrating an impact on protein function has been reported. Four clinical diagnostic laboratories have submitted clinical-significance assessments for this variant to ClinVar after 2014 without evidence for independent evaluation (likely benign, n=1; VUS, n=3). Based on the evidence outlined above, the variant was classified as uncertain significance.

Myriad Genetics, Inc.
Classification: Uncertain significance for Usher syndrome type 2A. Last evaluated: 2021-10-01. Review status: criteria provided, single submitter. Criteria: Myriad Women's Health Autosomal Recessive and X-Linked Classification Criteria (2021). Collection method: clinical testing. Allele origin: unknown.
Comment: NM_206933.2(USH2A):c.5698T>G(C1900G) is a missense variant classified as a variant of uncertain significance in the context of USH2A-related disorders. C1900G has been observed in cases with relevant disease (PMID: 28224992, 27460420). Functional assessments of this variant are not available in the literature. C1900G has been observed in population frequency databases (gnomAD: SAS 0.38%). In summary, there is insufficient evidence to classify NM_206933.2(USH2A):c.5698T>G(C1900G) as pathogenic or benign. Please note: this variant was assessed in the context of healthy population screening.

Revvity Omics, Revvity
Classification: Uncertain significance. Last evaluated: 2019-06-13. Review status: criteria provided, single submitter. Criteria: ACMG Guidelines, 2015. Collection method: clinical testing. Allele origin: germline.

Laboratory for Molecular Medicine, Mass General Brigham Personalized Medicine
Classification: Uncertain significance. Last evaluated: 2017-06-27. Review status: criteria provided, single submitter. Criteria: LMM Criteria. Collection method: clinical testing. Allele origin: germline. Observed: 3 variant alleles.
Comment: Variant classified as Uncertain Significance - Favor Benign. The p.Cys1900Gly va riant in USH2A has been reported as a homozygous variant in one individual with Usher syndrome, who was also homozygous for another variant of uncertain clinica l significance in USH2A (Bonnet 2016). The variant was also reported in two indi viduals with hearing loss and one individual with retinitis pigmentosa; however these individuals were heterozygous for the variant and did not carry a second v ariant (Haer-Wigman 2017, unpublished LMM data, ClinVar Variation ID: 4853). Thi s variant has also been identified in 0.38% (117/30776) of South Asian chromosom es, including one homozygous individual, by the genome Aggregation Database (gno mAD; dbSNP rs201026468). Computational predicti on tools and conservation analysis suggest that this variant may impact the prot ein, though this information is not predictive enough to determine pathogenicity . In summary, while the clinical significance of the p.Cys1900Gly variant is unc ertain, these data suggest that it is more likely to be benign.

Department of Pathology and Laboratory Medicine, Sinai Health System
Classification: Uncertain significance. Review status: no assertion criteria provided. Collection method: clinical testing. Allele origin: unknown. Affected: yes. Study: The Canadian Open Genetics Repository (COGR). Not counted in ClinVar's aggregate classification.
Comment: The USH2A p.C1900G variant was identified in a homozygous individual with Usher syndrome, as well as a heterozygous individual with retinitis pigmentosa (Bonnet_2016_PMID: 27460420; Haer-Wigman_2017_PMID: 28224992). The variant was identified in dbSNP (ID: rs201026468) and in ClinVar (classified as uncertain significance by Laboratory for Molecular Medicine and Counsyl; and as likely benign by Invitae). The variant was identified in control databases in 120 of 250564 chromosomes (1 homozygous) at a frequency of 0.0004789, and was observed at the highest frequency in the South Asian population in 117 of 30610 chromosomes (1 homozygous) (freq: 0.003822) (Genome Aggregation Database March 6, 2019, v2.1.1). The p.C1900 residue is conserved in mammals and more distantly related organisms, however computational analyses predicting the impact of this variant on protein function are not available. In summary, based on the above information the clinical significance of this variant cannot be determined with certainty at this time. This variant is classified as a variant of uncertain significance.

Literature cited by the submitters: PubMed 28224992 (cited by 3 submitters); PubMed 27460420 (cited by 3 submitters).